The following is an entry in ClinVar:

NM_001170629.2(CHD8):c.2599C>T (p.Pro867Ser)

Gene: CHD8 (chromodomain helicase DNA binding protein 8; minus strand). Cytogenetic location: 14q11.2.
Variant type: single nucleotide variant.
Coding change: c.2599C>T on transcript NM_001170629.2 (MANE Select); coding-DNA position 2599, C replaced by T.
Protein change: p.Pro867Ser; replaces proline 867 with serine.
Molecular consequence: missense variant.
Genome position (GRCh38, 1-based): chr14:21,408,443, G>A on the plus strand (C>T on the coding strand, the complement: CHD8 is on the minus strand). VCF-style: chr14-21408443-G-A. GRCh37 (hg19) VCF-style: chr14-21876602-G-A.
Other names: c.1762C>T, p.Pro588Ser (NM_020920.4); short protein forms P588S, P867S.
Identifiers: ClinVar variation 4531154 (VCV004531154.1).

ClinVar aggregate classification (germline): Uncertain significance (1 of 4 stars; one submission).

Submission:

GeneDx
Classification: Uncertain significance. Last evaluated: 2025-05-21. Review status: criteria provided, single submitter. Criteria: GeneDx Variant Classification Process June 2021. Collection method: clinical testing. Allele origin: germline. Affected: yes.
Comment: Not observed at significant frequency in large population cohorts (gnomAD); In silico analysis supports that this missense variant has a deleterious effect on protein structure/function; Has not been previously published as pathogenic or benign to our knowledge